The following is an entry in ClinVar:

NM_001173464.2(KIF21A):c.1417GAG[1] (p.Glu474del)

Gene: KIF21A (kinesin family member 21A; minus strand). Cytogenetic location: 12q12.
Variant type: Microsatellite.
Coding change: c.1417GAG[1] on transcript NM_001173464.2 (MANE Select); one copy of the 3-base unit GAG starting at c.1417; the reference has two copies in a row; one copy, 3 bases deleted.
Protein change: p.Glu474del; deletes glutamic acid 474.
Molecular consequence: inframe deletion.
Genome position (GRCh38, 1-based): chr12:39,356,879-39,356,881, CTC deleted on the plus strand (GAG on the coding strand, the reverse complement: KIF21A is on the minus strand); deleting any 3 consecutive bases within chr12:39,356,879-39,356,884 gives the same sequence; the position shown is the placement nearest the transcript's 3' end. VCF-style (leftmost placement, unchanged base first): chr12-39356878-TCTC-T. GRCh37 (hg19) VCF-style: chr12-39750680-TCTC-T.
Other names: c.1420_1422delGAG (NM_001173464.2); c.1417GAG[1], p.Glu474del (NM_001173463.2, NM_001173465.2, NM_001378439.1 and 3 more transcripts); short protein forms E474del.
Identifiers: ClinVar variation 2637668 (VCV002637668.1), dbSNP rs760656346, ClinGen allele CA6511029.

ClinVar aggregate classification (germline): Uncertain significance (1 of 4 stars; one submission).

Submission:

Women's Health and Genetics/Laboratory Corporation of America, LabCorp
Classification: Uncertain significance. Last evaluated: 2023-10-11. Review status: criteria provided, single submitter. Criteria: LabCorp Variant Classification Summary - May 2015. Collection method: clinical testing. Allele origin: germline.
Comment: Variant summary: KIF21A c.1420_1422delGAG (p.Glu474del) results in an in-frame deletion that is predicted to remove one amino acids from the encoded protein. The variant allele was found at a frequency of 4.5e-05 in 246538 control chromosomes. To our knowledge, no occurrence of c.1420_1422delGAG in individuals affected with KIF21A-Related Disorders and no experimental evidence demonstrating its impact on protein function have been reported. No submitters have cited clinical-significance assessments for this variant to ClinVar after 2014. Based on the evidence outlined above, the variant was classified as uncertain significance.